The following is an entry in ClinVar:

ClinVar aggregate classification (germline): Uncertain significance. Review status: criteria provided, multiple submitters, no conflicts (2 of 4 stars). 7 submissions from 7 submitters: Uncertain significance (7). Last evaluated 2026-01-05.

Conditions:
Pheochromocytoma/paraganglioma syndrome 3. Also called: SDHC-Related Hereditary Paraganglioma-Pheochromocytoma Syndrome; Paragangliomas 3; GLOMUS TUMORS, FAMILIAL, 3; SDHC-Related Hereditary Paraganglioma-Pheochromocytoma Syndrome (Paragangliomas 3). Identifiers: Orphanet 29072, MedGen C1854336, MONDO:0011544, OMIM 605373.
Gastrointestinal stromal tumor. Also called: Gastrointestinal stromal tumor, somatic; Gastrointestinal stroma tumor. Identifiers: Orphanet 44890, MedGen C0238198, MeSH D046152, MONDO:0011719, OMIM 606764, HP:0100723.
Hereditary cancer-predisposing syndrome. Also called: Hereditary Cancer Syndrome; Tumor predisposition; Neoplastic Syndromes, Hereditary; Hereditary neoplastic syndrome. Identifiers: Orphanet 140162, MedGen C0027672, MeSH D009386, MONDO:0015356.
Carney-Stratakis syndrome. Also called: PARAGANGLIOMA AND GASTROINTESTINAL STROMAL TUMOR. Identifiers: Orphanet 97286, MedGen C1847319, MONDO:0011740, OMIM 606864.
Hereditary pheochromocytoma and paraganglioma. Also called: Hereditary Paraganglioma-Pheochromocytoma Syndromes; Hereditary paragangliomas and pheochromocytomas; Hereditary pheochromocytoma-paraganglioma. Identifiers: Orphanet 29072, MedGen C4274332, MONDO:0017366.

Allele frequency attached by ClinVar (database versions not stated): TOPMed below 0.00001; gnomAD exomes 0.00001.
gnomAD v4.1: 15 of 1,613,998 alleles (0.00093%); highest among the groups gnomAD compares: East Asian, 0.0045%; no homozygotes.

Submissions (7):

Labcorp Genetics (formerly Invitae), Labcorp
Classification: Uncertain significance for Pheochromocytoma/paraganglioma syndrome 3; Gastrointestinal stromal tumor. Last evaluated: 2026-01-05. Review status: criteria provided, single submitter. Criteria: Invitae Variant Classification Sherloc (09022015). Collection method: clinical testing. Allele origin: germline.
Comment: This sequence change replaces proline, which is neutral and non-polar, with serine, which is neutral and polar, at codon 123 of the SDHC protein (p.Pro123Ser). This variant is present in population databases (rs773039986, gnomAD 0.006%). This missense change has been observed in individual(s) with Cowden syndrome or Cowden-like syndrome (PMID: 22829200). ClinVar contains an entry for this variant (Variation ID: 841499). An algorithm developed to predict the effect of missense changes on protein structure and function (PolyPhen-2) suggests that this variant is likely to be disruptive. In summary, the available evidence is currently insufficient to determine the role of this variant in disease. Therefore, it has been classified as a Variant of Uncertain Significance.

Ambry Genetics
Classification: Uncertain significance for Hereditary cancer-predisposing syndrome. Last evaluated: 2024-08-01. Review status: criteria provided, single submitter. Criteria: Ambry Variant Classification Scheme 2023. Collection method: clinical testing. Allele origin: germline.
Comment: The p.P123S variant (also known as c.367C>T), located in coding exon 5 of the SDHC gene, results from a C to T substitution at nucleotide position 367. The proline at codon 123 is replaced by serine, an amino acid with similar properties. This alteration has been identified in a cohort of patients with Cowden/Cowden-like syndrome, but has not been identified in a cohort of paraganglioma/pheochromocytoma patients (Ni Y, et al. Clin. Cancer Res. 2012 Sep; 18(18):4954-61). This amino acid position is highly conserved in available vertebrate species. In addition, this alteration is predicted to be deleterious by in silico analysis. Based on the available evidence, the clinical significance of this variant remains unclear.

All of Us Research Program, National Institutes of Health
Classification: Uncertain significance for Hereditary pheochromocytoma and paraganglioma. Last evaluated: 2024-05-14. Review status: criteria provided, single submitter. Criteria: ACMG Guidelines, 2015. Collection method: clinical testing. Allele origin: germline. Inheritance: Autosomal dominant inheritance. Observed: 8 variant alleles, 8 heterozygotes.
Comment: This missense variant replaces proline with serine at codon 123 of the SDHC protein. Computational prediction suggests that this variant may have deleterious impact on protein structure and function (internally defined REVEL score threshold >= 0.7, PMID: 27666373). To our knowledge, functional studies have not been reported for this variant. This variant has not been reported in individuals affected with SDHC-related disorders in the literature, however the variant has been observed in patients with PTEN mutation negative Cowden/Cowden-like syndrome (PMID: 22829200). This variant has been identified in 7/280430 chromosomes in the general population by the Genome Aggregation Database (gnomAD). The available evidence is insufficient to determine the role of this variant in disease conclusively. Therefore, this variant is classified as a Variant of Uncertain Significance.

This study involves interpretation of variants in research participants for the purpose of population health screening. Participant phenotype was not available at the time of variant classification. Additional details can be found in publication PMID: 35346344, PMCID: PMC8962531

Baylor Genetics
Classification: Uncertain significance for Gastrointestinal stromal tumor. Last evaluated: 2023-10-04. Review status: criteria provided, single submitter. Criteria: ACMG Guidelines, 2015. Collection method: clinical testing. Allele origin: unknown.

Quest Diagnostics Nichols Institute San Juan Capistrano
Classification: Uncertain significance. Last evaluated: 2023-09-21. Review status: criteria provided, single submitter. Criteria: Quest Diagnostics criteria. Collection method: clinical testing. Allele origin: unknown.
Comment: In the published literature, this variant has been reported in an individual with Cowden syndrome or Cowden-like syndrome (PMID: 22829200 (2012)). The frequency of this variant in the general population, 0.000047 (6/126772 chromosomes (Genome Aggregation Database)), is uninformative in the assessment of its pathogenicity. Analysis of this variant using bioinformatics tools for the prediction of the effect of amino acid changes on protein structure and function yielded predictions that this variant is damaging. Based on the available information, we are unable to determine the clinical significance of this variant.

GeneDx
Classification: Uncertain significance. Last evaluated: 2019-09-03. Review status: criteria provided, single submitter. Criteria: GeneDx Variant Classification Process June 2021. Collection method: clinical testing. Allele origin: germline. Affected: yes.
Comment: Not observed at a significant frequency in large population cohorts (Lek 2016); In silico analysis, which includes protein predictors and evolutionary conservation, supports a deleterious effect; Observed in individuals with features of Cowden syndrome (Ni 2012); This variant is associated with the following publications: (PMID: 22829200)

Juno Genomics, Hangzhou Juno Genomics, Inc
Classification: Uncertain significance for Pheochromocytoma/paraganglioma syndrome 3; Gastrointestinal stromal tumor; Carney-Stratakis syndrome. Review status: criteria provided, single submitter. Criteria: ACMG Guidelines, 2015. Collection method: clinical testing. Allele origin: germline.
Comment: Absent from controls (or at extremely low frequency if recessive) in Genome Aggregation Database.;Multiple lines of computational evidence support a deleterious effect on the gene or gene product.

Literature cited by the submitters: PubMed 22829200 (cited by 4 submitters).

NM_003001.5(SDHC):c.367C>T (p.Pro123Ser)

Gene: SDHC (succinate dehydrogenase complex subunit C; plus strand). Cytogenetic location: 1q23.3.
Variant type: single nucleotide variant.
Coding change: c.367C>T on transcript NM_003001.5 (MANE Select); coding-DNA position 367, C replaced by T.
Protein change: p.Pro123Ser; replaces proline 123 with serine.
Molecular consequence: missense variant. On other transcripts: non-coding transcript variant (1), intron variant (3).
Genome position (GRCh38, 1-based): chr1:161,356,802, C>T. VCF-style: chr1-161356802-C-T. GRCh37 (hg19) VCF-style: chr1-161326592-C-T.
Other names: c.265C>T, p.Pro89Ser (NM_001035512.3); c.208C>T, p.Pro70Ser (NM_001035513.3); c.487C>T, p.Pro163Ser (NM_001407115.1); c.310C>T, p.Pro104Ser (NM_001407116.1); c.304C>T, p.Pro102Ser (NM_001407117.1); c.259C>T, p.Pro87Ser (NM_001407118.1); c.256C>T, p.Pro86Ser (NM_001407119.1, NM_001407120.1); c.242-5527C>T (NM_001035511.3); and 2 more; short protein forms P89S, P123S, P70S, P163S, P102S, P104S, P86S, P87S.
Identifiers: ClinVar variation 841499 (VCV000841499.21), dbSNP rs773039986, ClinGen allele CA047087.